The following is an entry in ClinVar:

NM_005529.7(HSPG2):c.814C>T (p.Pro272Ser)

Gene: HSPG2 (heparan sulfate proteoglycan 2; minus strand). Cytogenetic location: 1p36.12.
Variant type: single nucleotide variant.
Coding change: c.814C>T on transcript NM_005529.7 (MANE Select); coding-DNA position 814, C replaced by T.
Protein change: p.Pro272Ser; replaces proline 272 with serine.
Molecular consequence: missense variant.
Genome position (GRCh38, 1-based): chr1:21,887,564, G>A on the plus strand (C>T on the coding strand, the complement: HSPG2 is on the minus strand). VCF-style: chr1-21887564-G-A. GRCh37 (hg19) VCF-style: chr1-22214057-G-A.
Other names: c.814C>T, p.Pro272Ser (NM_001291860.2); short protein forms P272S.
Identifiers: ClinVar variation 3897969 (VCV003897969.1).

ClinVar aggregate classification (germline): Uncertain significance (1 of 4 stars; one submission).

Conditions:
Schwartz-Jampel syndrome type 1 (SJS1). Also called: MYOTONIC MYOPATHY, DWARFISM, CHONDRODYSTROPHY, AND OCULAR AND FACIAL ABNORMALITIES; CHONDRODYSTROPHIC MYOTONIA. Identifiers: MedGen C4551479, MONDO:0100435, OMIM 255800.

gnomAD v4.1: 1 of 1,614,130 alleles (0.000062%); highest among the groups gnomAD compares: Non-Finnish European, 0.000085%; no homozygotes.

Submission:

Neuberg Centre For Genomic Medicine, NCGM
Classification: Uncertain significance for Schwartz-Jampel syndrome type 1. Last evaluated: 2024-02-01. Review status: criteria provided, single submitter. Criteria: ACMG Guidelines, 2015. Collection method: clinical testing. Allele origin: germline. Inheritance: Autosomal recessive inheritance.
Comment: The above variant has not been reported previously as a pathogenic variant nor as a benign variant, to our knowledge. For these reasons, this variant has been classified as Variant of Uncertain Significance (VUS).